The following continues an entry in ClinVar:

NM_000518.5(HBB):c.20A>T (p.Glu7Val)

ClinVar aggregate classification (germline): Pathogenic. Pathogenic (57).

Literature cited by the submitters, continued: PubMed 14084634 (cited by Rady Children's Institute for Genomic Medicine, Rady Children's Hospital San Diego and Dasa); PubMed 20301599 (cited by Rady Children's Institute for Genomic Medicine, Rady Children's Hospital San Diego); PubMed 21302591 (cited by Rady Children's Institute for Genomic Medicine, Rady Children's Hospital San Diego and Dasa); PubMed 26041415 (cited by Rady Children's Institute for Genomic Medicine, Rady Children's Hospital San Diego and Dasa); PubMed 34334128 (cited by 3 submitters); PubMed 18473247 (cited by Natera, Inc.); PubMed 28361595 (cited by Natera, Inc.); PubMed 37240547 (cited by Center for Genomic Medicine, Rigshospitalet, Copenhagen University Hospital); PubMed 4232783 (cited by Laboratory for Molecular Medicine, Mass General Brigham Personalized Medicine and OMIM); PubMed 13369537 (cited by Ambry Genetics and OMIM); PubMed 26275168 (cited by Illumina Laboratory Services, Illumina and Dasa); PubMed 21045822 (cited by Illumina Laboratory Services, Illumina); PubMed 20628988 (cited by Johns Hopkins Genomics, Johns Hopkins University); PubMed 34749363 (cited by Johns Hopkins Genomics, Johns Hopkins University); PubMed 36073655 (cited by Johns Hopkins Genomics, Johns Hopkins University); PubMed 13464827 (cited by Dasa and OMIM); PubMed 11880644 (cited by Dasa and OMIM); PubMed 11830454 (cited by Dasa and OMIM); PubMed 30002798 (cited by Dasa and Lifecell International Pvt. Ltd); PubMed 15658184 (cited by Dasa); PubMed 7384810 (cited by Dasa); PubMed 6268660 (cited by Dasa and OMIM); PubMed 22625666 (cited by 3 submitters); PubMed 32527859 (cited by Dasa); PubMed 21131035 (cited by Dasa); PubMed 27117572 (cited by Dasa); PubMed 20981092 (cited by AiLife Diagnostics); PubMed 27884173 (cited by AiLife Diagnostics); PubMed 22028795 (cited by AiLife Diagnostics and Myriad Genetics, Inc.); PubMed 20305663 (cited by AiLife Diagnostics and OMIM); PubMed 21329186 (cited by AiLife Diagnostics); PubMed 19465909 (cited by AiLife Diagnostics); PubMed 23065522 (cited by AiLife Diagnostics); PubMed 22244832 (cited by AiLife Diagnostics); PubMed 22975760 (cited by AiLife Diagnostics); PubMed 15543018 (cited by AiLife Diagnostics); PubMed 23144702 (cited by AiLife Diagnostics); PubMed 22010933 (cited by AiLife Diagnostics and Myriad Genetics, Inc.); PubMed 27254408 (cited by AiLife Diagnostics); PubMed 30033078 (cited by AiLife Diagnostics); PubMed 24123366 (cited by AiLife Diagnostics); PubMed 20954261 (cited by AiLife Diagnostics and Myriad Genetics, Inc.); PubMed 31553106 (cited by AiLife Diagnostics); PubMed 25087612 (cited by AiLife Diagnostics); PubMed 30315176 (cited by AiLife Diagnostics); PubMed 22957039 (cited by AiLife Diagnostics); PubMed 19061217 (cited by Myriad Genetics, Inc.); PubMed 2582106 (cited by Myriad Genetics, Inc.); PubMed 6583683 (cited by Myriad Genetics, Inc. and OMIM); PubMed 1376298 (cited by Myriad Genetics, Inc. and OMIM); PubMed 24493127 (cited by Women's Health and Genetics/Laboratory Corporation of America, LabCorp); PubMed 13852872 (cited by OMIM); PubMed 909565 (cited by OMIM); PubMed 81926 (cited by OMIM); PubMed 6285354 (cited by OMIM); PubMed 6272289 (cited by OMIM); PubMed 3048433 (cited by OMIM); PubMed 9859938 (cited by OMIM); PubMed 6280057 (cited by OMIM); PubMed 6584911 (cited by OMIM); PubMed 2579336 (cited by OMIM); PubMed 2891298 (cited by OMIM); PubMed 3752087 (cited by OMIM); PubMed 2893541 (cited by OMIM); PubMed 8199597 (cited by OMIM); PubMed 2898142 (cited by OMIM); PubMed 2898460 (cited by OMIM); PubMed 11741197 (cited by OMIM); PubMed 8462981 (cited by OMIM); PubMed 3821796 (cited by OMIM); PubMed 11501714 (cited by OMIM); Sherman, I. J. The sickling phenomenon, with special reference to the difference of sickle cell anemia from the sickle cell trait. Bull. Johns Hopkins Hosp. 67: 309-324, 1940. (cited by OMIM); PubMed 13066514 (cited by OMIM); PubMed 15395398 (cited by OMIM); PubMed 13115700 (cited by OMIM); Chang, J. C., Temple, G. F., Trecartin, R. F., Kan, Y. W. Beta-zero thalassemia: a nonsense mutation in man, and its correction in vitro. (Abstract) Clin. Res. 27: 457A, 1979. (cited by OMIM); PubMed 3354556 (cited by OMIM); PubMed 1986365 (cited by OMIM); PubMed 1301203 (cited by OMIM); PubMed 3690667 (cited by OMIM); PubMed 7993409 (cited by OMIM); PubMed 17287491 (cited by OMIM); PubMed 16001361 (cited by OMIM); PubMed 18192399 (cited by OMIM); PubMed 18048408 (cited by OMIM); PubMed 21529713 (cited by OMIM); PubMed 22075726 (cited by OMIM); NCBI Bookshelf NBK1377 (cited by GeneReviews).